The following is an entry in ClinVar:

ClinVar aggregate classification (germline): Uncertain significance. Review status: criteria provided, multiple submitters, no conflicts (2 of 4 stars). 3 submissions from 3 submitters: Uncertain significance (2). 1 of the submissions does not count toward it. Last evaluated 2024-06-19.

Conditions:
Agenesis of the corpus callosum with peripheral neuropathy (ACCPN). Also called: Hereditary Motor and Sensory Neuropathy with Agenesis of the Corpus Callosum; POLYNEUROPATHY, SENSORIMOTOR, WITH OR WITHOUT AGENESIS OF THE CORPUS CALLOSUM; CHARLEVOIX DISEASE; HMSN/ACC. Identifiers: Orphanet 1496, MedGen C0795950, MONDO:0000902, OMIM 218000. Disease mechanism: loss of function.

Allele frequency attached by ClinVar (database versions not stated): gnomAD exomes below 0.00001; gnomAD 0.00001; TOPMed 0.00001.
gnomAD v4.1: 2 of 1,591,526 alleles (0.00013%); highest among the groups gnomAD compares: Non-Finnish European, 0.00017%; no homozygotes.

Submissions (3):

Labcorp Genetics (formerly Invitae), Labcorp
Classification: Uncertain significance. Last evaluated: 2024-06-19. Review status: criteria provided, single submitter. Criteria: Invitae Variant Classification Sherloc (09022015). Collection method: clinical testing. Allele origin: germline.
Comment: This sequence change replaces phenylalanine, which is neutral and non-polar, with leucine, which is neutral and non-polar, at codon 538 of the SLC12A6 protein (p.Phe538Leu). This variant is not present in population databases (gnomAD no frequency). This variant has not been reported in the literature in individuals affected with SLC12A6-related conditions. ClinVar contains an entry for this variant (Variation ID: 376809). Advanced modeling of protein sequence and biophysical properties (such as structural, functional, and spatial information, amino acid conservation, physicochemical variation, residue mobility, and thermodynamic stability) performed at Invitae indicates that this missense variant is not expected to disrupt SLC12A6 protein function with a negative predictive value of 80%. In summary, the available evidence is currently insufficient to determine the role of this variant in disease. Therefore, it has been classified as a Variant of Uncertain Significance.

Center for Pediatric Genomic Medicine, Children's Mercy Hospital and Clinics
Classification: Uncertain significance. Last evaluated: 2016-06-30. Review status: criteria provided, single submitter. Criteria: ACMG Guidelines, 2015. Collection method: clinical testing. Allele origin: germline.
ClinVar note: Converted during submission from Uncertain Significance to Uncertain significance.

Natera, Inc.
Classification: Uncertain significance for Andermann syndrome. Last evaluated: 2021-09-27. Review status: no assertion criteria provided. Collection method: clinical testing. Allele origin: germline. Not counted in ClinVar's aggregate classification.

NM_001365088.1(SLC12A6):c.1614T>G (p.Phe538Leu)

Gene: SLC12A6 (solute carrier family 12 member 6; minus strand). Cytogenetic location: 15q14.
Variant type: single nucleotide variant.
Coding change: c.1614T>G on transcript NM_001365088.1 (MANE Select); coding-DNA position 1614, T replaced by G.
Protein change: p.Phe538Leu; replaces phenylalanine 538 with leucine.
Molecular consequence: missense variant.
Genome position (GRCh38, 1-based): chr15:34,250,333, A>C on the plus strand (T>G on the coding strand, the complement: SLC12A6 is on the minus strand). VCF-style: chr15-34250333-A-C. GRCh37 (hg19) VCF-style: chr15-34542534-A-C.
Other names: c.1437T>G, p.Phe479Leu (NM_001042494.2, NM_001042495.2); c.1587T>G, p.Phe529Leu (NM_001042496.2); c.1569T>G, p.Phe523Leu (NM_001042497.2); c.1461T>G, p.Phe487Leu (NM_005135.2); c.1614T>G, p.Phe538Leu (NM_133647.2); short protein forms F487L, F538L, F529L, F479L, F523L.
Identifiers: ClinVar variation 376809 (VCV000376809.7), dbSNP rs1057520062, ClinGen allele CA16603174.